The following is an entry in ClinVar:

NM_024642.5(GALNT12):c.1464C>G (p.Phe488Leu)

Gene: GALNT12 (polypeptide N-acetylgalactosaminyltransferase 12; plus strand). Cytogenetic location: 9q22.33.
Variant type: single nucleotide variant.
Coding change: c.1464C>G on transcript NM_024642.5 (MANE Select); coding-DNA position 1464, C replaced by G.
Protein change: p.Phe488Leu; replaces phenylalanine 488 with leucine.
Molecular consequence: missense variant.
Genome position (GRCh38, 1-based): chr9:98,845,982, C>G. VCF-style: chr9-98845982-C-G. GRCh37 (hg19) VCF-style: chr9-101608264-C-G.
Other names: short protein forms F488L.
Identifiers: ClinVar variation 3518488 (VCV003518488.1).
Genomic context (GRCh38, chr9:98,845,982, plus strand): 5'-CTCTTCCCACATCAGTGGAAAATGTTGTGTTACATGTTGGCTGCCCCATTTTTAGTTTTT[C>G]GAGTACACGTCCCAGAAAGAAATACGCTATAACACCCACCAGCCTGAGGGCTGCATTGCT-3'
Protein context (NP_078918.3, residues 478-498): LCHGMGQNQF[Phe488Leu]EYTSQKEIRY

ClinVar aggregate classification (germline): Uncertain significance (1 of 4 stars; one submission).

Submission:

Ambry Genetics
Classification: Uncertain significance. Last evaluated: 2024-07-29. Review status: criteria provided, single submitter. Criteria: Ambry Variant Classification Scheme 2023. Collection method: clinical testing. Allele origin: germline.
Comment: The p.F488L variant (also known as c.1464C>G), located in coding exon 9 of the GALNT12 gene, results from a C to G substitution at nucleotide position 1464. The phenylalanine at codon 488 is replaced by leucine, an amino acid with highly similar properties. This amino acid position is conserved. In addition, the in silico prediction for this alteration is inconclusive. Based on the available evidence, the clinical significance of this variant remains unclear.